The following is an entry in ClinVar:

ClinVar aggregate classification (germline): Benign. Review status: criteria provided, multiple submitters, no conflicts (2 of 4 stars). 11 submissions from 10 submitters: Benign (11). Last evaluated 2026-02-04.

Conditions:
UV-sensitive syndrome 2 (UVSS2). Identifiers: Orphanet 178338, MedGen C3553298, MONDO:0013829, OMIM 614621.
Cockayne syndrome type 1. Also called: Cockayne syndrome type I; Cockayne syndrome classical; Cockayne syndrome classic form. Identifiers: Orphanet 191, Orphanet 90321, MedGen C0751039, MONDO:0019569, OMIM 216400.

Allele frequency attached by ClinVar (database versions not stated): 1000 Genomes Project 0.13578; 1000 Genomes Project 30x 0.13632; TOPMed 0.18394; gnomAD 0.19545 and 0.19656; ESP Exome Variant Server 0.20420; gnomAD exomes 0.20490 and 0.24625; ExAC 0.20580.
gnomAD v4.1: 382,113 of 1,587,156 alleles (24%); highest among the groups gnomAD compares: Non-Finnish European, 27%; 50,035 homozygotes.

Submissions (11):

Labcorp Genetics (formerly Invitae), Labcorp
Classification: Benign. Last evaluated: 2026-02-04. Review status: criteria provided, single submitter. Criteria: Invitae Variant Classification Sherloc (09022015). Collection method: clinical testing. Allele origin: germline.

Blueprint Genetics
Classification: Benign. Last evaluated: 2024-11-26. Review status: criteria provided, single submitter. Criteria: ACMG Guidelines, 2015. Collection method: clinical testing. Allele origin: germline.

Genome-Nilou Lab
Classification: Benign for Cockayne syndrome type 1. Last evaluated: 2021-07-30. Review status: criteria provided, single submitter. Criteria: ACMG Guidelines, 2015. Collection method: clinical testing. Allele origin: germline. Affected: no.

Genome-Nilou Lab
Classification: Benign for UV-sensitive syndrome 2. Last evaluated: 2021-07-30. Review status: criteria provided, single submitter. Criteria: ACMG Guidelines, 2015. Collection method: clinical testing. Allele origin: germline. Affected: no.

GeneDx
Classification: Benign. Last evaluated: 2018-07-09. Review status: criteria provided, single submitter. Criteria: GeneDx Variant Classification Process June 2021. Collection method: clinical testing. Allele origin: germline. Affected: yes.

Illumina Laboratory Services, Illumina
Classification: Benign for Cockayne syndrome type 1. Last evaluated: 2018-01-12. Review status: criteria provided, single submitter. Criteria: ICSL Variant Classification Criteria 13 December 2019. Collection method: clinical testing. Allele origin: germline.
Comment: This variant was observed in the ICSL laboratory as part of a predisposition screen in an ostensibly healthy population. It had not been previously curated by ICSL or reported in the Human Gene Mutation Database (HGMD: prior to June 1st, 2018), and was therefore a candidate for classification through an automated scoring system. Utilizing variant allele frequency, disease prevalence and penetrance estimates, and inheritance mode, an automated score was calculated to assess if this variant is too frequent to cause the disease. Based on the score and internal cut-off values, a variant classified as benign is not then subjected to further curation. The score for this variant resulted in a classification of benign for this disease.

Mayo Clinic Laboratories, Mayo Clinic
Classification: Benign. Last evaluated: 2017-08-21. Review status: criteria provided, single submitter. Criteria: ACMG Guidelines, 2015. Collection method: clinical testing. Allele origin: germline. Observed: 813 variant alleles.

Eurofins Ntd Llc (ga)
Classification: Benign. Last evaluated: 2015-12-17. Review status: criteria provided, single submitter. Criteria: EGL Classification Definitions 2015. Collection method: clinical testing. Allele origin: germline. Observed: 1 variant allele, 1 heterozygote.

Claritas Genomics
Classification: Benign. Last evaluated: 2012-04-30. Review status: criteria provided, single submitter. Criteria: ACMG Guidelines, 2007. Collection method: clinical testing. Allele origin: germline. Inheritance: Autosomal recessive inheritance.

Breakthrough Genomics
Classification: Benign. Review status: criteria provided, single submitter. Criteria: ACMG Guidelines, 2015. Collection method: not provided. Allele origin: germline. Inheritance: Autosomal recessive inheritance. Affected: yes.

PreventionGenetics, part of Exact Sciences
Classification: Benign. Review status: criteria provided, single submitter. Criteria: ACMG Guidelines, 2015. Collection method: clinical testing. Allele origin: germline.

NM_000082.4(ERCC8):c.435T>C (p.Tyr145=)

Gene: ERCC8 (ERCC excision repair 8, CSA ubiquitin ligase complex subunit; minus strand). Cytogenetic location: 5q12.1.
Variant type: single nucleotide variant.
Coding change: c.435T>C on transcript NM_000082.4 (MANE Select); coding-DNA position 435, T replaced by C.
Protein change: p.Tyr145=; no amino-acid change (tyrosine 145 retained).
Molecular consequence: synonymous variant. On other transcripts: intron variant (1).
Genome position (GRCh38, 1-based): chr5:60,904,838, A>G on the plus strand (T>C on the coding strand, the complement: ERCC8 is on the minus strand). VCF-style: chr5-60904838-A-G. GRCh37 (hg19) VCF-style: chr5-60200665-A-G.
Other names: p.Tyr145=; c.261T>C, p.Tyr87= (NM_001007233.3); c.435T>C, p.Tyr145= (NM_001007234.3); c.23-1122T>C (NM_001290285.2).
Identifiers: ClinVar variation 190177 (VCV000190177.26), dbSNP rs4647100, ClinGen allele CA199609.